The following is an entry in ClinVar:

ClinVar aggregate classification (germline): Uncertain significance (1 of 4 stars; one submission).

Conditions:
Hereditary cancer-predisposing syndrome. Also called: Neoplastic Syndromes, Hereditary; Tumor predisposition; Hereditary neoplastic syndrome; Hereditary Cancer Syndrome. Identifiers: Orphanet 140162, MedGen C0027672, MeSH D009386, MONDO:0015356.

Submission:

Ambry Genetics
Classification: Uncertain significance for Hereditary cancer-predisposing syndrome. Last evaluated: 2026-07-21. Review status: criteria provided, single submitter. Criteria: Ambry Variant Classification Scheme 2023. Collection method: clinical testing. Allele origin: germline.
Comment: The p.I84T variant (also known as c.251T>C), located in coding exon 2 of the SUFU gene, results from a T to C substitution at nucleotide position 251. The isoleucine at codon 84 is replaced by threonine, an amino acid with similar properties. This amino acid position is conserved. In addition, the in silico prediction for this alteration is inconclusive. Based on the available evidence, the clinical significance of this variant remains unclear.

NM_016169.4(SUFU):c.251T>C (p.Ile84Thr)

Gene: SUFU (SUFU negative regulator of hedgehog signaling; plus strand). Cytogenetic location: 10q24.32.
Variant type: single nucleotide variant.
Coding change: c.251T>C on transcript NM_016169.4 (MANE Select); coding-DNA position 251, T replaced by C.
Protein change: p.Ile84Thr; replaces isoleucine 84 with threonine.
Molecular consequence: missense variant.
Genome position (GRCh38, 1-based): chr10:102,509,237, T>C. VCF-style: chr10-102509237-T-C. GRCh37 (hg19) VCF-style: chr10-104268994-T-C.
Other names: c.251T>C, p.Ile84Thr (NM_001178133.2); short protein forms I84T.
Identifiers: ClinVar variation 5030435 (VCV005030435.1).